The following is an entry in ClinVar:

NM_003242.6(TGFBR2):c.1641C>T (p.Leu547=)

Gene: TGFBR2 (transforming growth factor beta receptor 2; plus strand). Cytogenetic location: 3p24.1.
Variant type: single nucleotide variant.
Coding change: c.1641C>T on transcript NM_003242.6 (MANE Select); coding-DNA position 1641, C replaced by T.
Protein change: p.Leu547=; no amino-acid change (leucine 547 retained).
Molecular consequence: synonymous variant.
Genome position (GRCh38, 1-based): chr3:30,691,536, C>T. VCF-style: chr3-30691536-C-T. GRCh37 (hg19) VCF-style: chr3-30733028-C-T.
Other names: c.1716C>T, p.Leu572= (NM_001024847.3); c.1824C>T, p.Leu608= (NM_001407126.1); c.1749C>T, p.Leu583= (NM_001407127.1); c.1668C>T, p.Leu556= (NM_001407128.1); c.1644C>T, p.Leu548= (NM_001407129.1); c.1638C>T, p.Leu546= (NM_001407130.1); c.1536C>T, p.Leu512= (NM_001407132.1, NM_001407133.1, NM_001407134.1 and 2 more transcripts); c.1356C>T, p.Leu452= (NM_001407137.1); and 2 more.
Identifiers: ClinVar variation 926281 (VCV000926281.5), dbSNP rs1699710286, ClinGen allele CA432918022.

ClinVar aggregate classification (germline): Likely benign. Review status: criteria provided, multiple submitters, no conflicts (2 of 4 stars). 3 submissions from 3 submitters: Likely benign (3). Last evaluated 2025-10-15.

Conditions:
Familial thoracic aortic aneurysm and aortic dissection (TAAD). Also called: Thoracic aortic aneurysms and dissections. Identifiers: Orphanet 91387, MedGen C4707243, MONDO:0019625.
Loeys-Dietz syndrome 2 (LDS2). Also called: Marfan syndrome, type 2 (formerly); Marfan Syndrome type 2; Marfan like connective tissue disorder; MFS 2; AORTIC ANEURYSM, FAMILIAL THORACIC 3; MARFAN SYNDROME, TYPE II. Identifiers: Orphanet 284973, Orphanet 558, MedGen C2674574, MONDO:0012427, OMIM 610168.

gnomAD v4.1: 2 of 1,614,142 alleles (0.00012%); highest among the groups gnomAD compares: Non-Finnish European, 0.00017%; no homozygotes.

Submissions (3):

Labcorp Genetics (formerly Invitae), Labcorp
Classification: Likely benign for Familial thoracic aortic aneurysm and aortic dissection. Last evaluated: 2025-10-15. Review status: criteria provided, single submitter. Criteria: Invitae Variant Classification Sherloc (09022015). Collection method: clinical testing. Allele origin: germline.

All of Us Research Program, National Institutes of Health
Classification: Likely benign for Loeys-Dietz syndrome 2. Last evaluated: 2024-03-05. Review status: criteria provided, single submitter. Criteria: ACMG Guidelines, 2015. Collection method: clinical testing. Allele origin: germline. Inheritance: Autosomal dominant inheritance. Observed: 1 variant allele, 1 heterozygote.
Comment: This study involves interpretation of variants in research participants for the purpose of population health screening. Participant phenotype was not available at the time of variant classification. Additional details can be found in publication PMID: 35346344, PMCID: PMC8962531

Color Diagnostics, LLC DBA Color Health
Classification: Likely benign for Familial thoracic aortic aneurysm and aortic dissection. Last evaluated: 2019-06-13. Review status: criteria provided, single submitter. Criteria: ACMG Guidelines, 2015. Collection method: clinical testing. Allele origin: germline.